The following is an entry in ClinVar:

ClinVar aggregate classification (germline): Uncertain significance (1 of 4 stars; one submission).

Conditions:
Primary ciliary dyskinesia. Also called: Ciliary dyskinesia. Identifiers: Orphanet 244, MedGen C0008780, MONDO:0016575, HP:0012265.

Allele frequency attached by ClinVar (database versions not stated): TOPMed below 0.00001.

Submission:

Ambry Genetics
Classification: Uncertain significance for Primary ciliary dyskinesia. Last evaluated: 2023-12-25. Review status: criteria provided, single submitter. Criteria: Ambry Variant Classification Scheme 2023. Collection method: clinical testing. Allele origin: germline.
Comment: The p.D2474E variant (also known as c.7422T>A), located in coding exon 45 of the DNAH11 gene, results from a T to A substitution at nucleotide position 7422. The aspartic acid at codon 2474 is replaced by glutamic acid, an amino acid with highly similar properties. This amino acid position is conserved. In addition, this alteration is predicted to be tolerated by in silico analysis. Since supporting evidence is limited at this time, the clinical significance of this alteration remains unclear.

NM_001277115.2(DNAH11):c.7422T>A (p.Asp2474Glu)

Gene: DNAH11 (dynein axonemal heavy chain 11; plus strand). Cytogenetic location: 7p15.3.
Variant type: single nucleotide variant.
Coding change: c.7422T>A on transcript NM_001277115.2 (MANE Select); coding-DNA position 7422, T replaced by A.
Protein change: p.Asp2474Glu; replaces aspartic acid 2474 with glutamic acid.
Molecular consequence: missense variant.
Genome position (GRCh38, 1-based): chr7:21,725,966, T>A. VCF-style: chr7-21725966-T-A. GRCh37 (hg19) VCF-style: chr7-21765584-T-A.
Other names: c.7443T>A, p.Asp2481Glu (NM_003777.3); short protein forms D2474E, D2481E.
Identifiers: ClinVar variation 3221493 (VCV003221493.1), dbSNP rs1785085519, ClinGen allele CA366946065.
Genomic context (GRCh38, chr7:21,725,966, plus strand): 5'-GGACCACAAAACTAAGAAATTATTGCCCTGGGCTGACAAAATTGCCCAGTTTACTATGGA[T>A]CCAGATGTGCCTCTGCAGGTAGGTGTGTGGAACATAGCAATTGTATTAGTCTGTTTTCAT-3'
Protein context (NP_001264044.1, residues 2464-2484): WADKIAQFTM[Asp2474Glu]PDVPLQTVLV